The following is an entry in ClinVar:

NM_000180.4(GUCY2D):c.1296C>G (p.Thr432=)

Gene: GUCY2D (guanylate cyclase 2D, retinal; plus strand). Cytogenetic location: 17p13.1.
Variant type: single nucleotide variant.
Coding change: c.1296C>G on transcript NM_000180.4 (MANE Select); coding-DNA position 1296, C replaced by G.
Protein change: p.Thr432=; no amino-acid change (threonine 432 retained).
Molecular consequence: synonymous variant.
Genome position (GRCh38, 1-based): chr17:8,006,632, C>G. VCF-style: chr17-8006632-C-G. GRCh37 (hg19) VCF-style: chr17-7909950-C-G.
Identifiers: ClinVar variation 2009782 (VCV002009782.4), dbSNP rs2151800571, ClinGen allele CA497749429.

ClinVar aggregate classification (germline): Uncertain significance (1 of 4 stars; one submission).

Conditions:
Cone-rod dystrophy 6 (CORD6). Also called: RETINAL CONE DYSTROPHY 2; Cone dystrophy progressive. Identifiers: Orphanet 1872, MedGen C1866293, MONDO:0011143, OMIM 601777.
Leber congenital amaurosis 1 (LCA1). Also called: RETINAL BLINDNESS, CONGENITAL; Congenital absence of the rods and cones; Leber's congenital tapetoretinal degeneration; Leber's congenital tapetoretinal dysplasia; AMAUROSIS CONGENITA OF LEBER I. Identifiers: Orphanet 65, MedGen C2931258, MONDO:0008764, OMIM 204000.

Submission:

Labcorp Genetics (formerly Invitae), Labcorp
Classification: Uncertain significance for Leber congenital amaurosis 1; Cone-rod dystrophy 6. Last evaluated: 2022-06-23. Review status: criteria provided, single submitter. Criteria: Invitae Variant Classification Sherloc (09022015). Collection method: clinical testing. Allele origin: germline.
Comment: This sequence change affects codon 432 of the GUCY2D mRNA. It is a 'silent' change, meaning that it does not change the encoded amino acid sequence of the GUCY2D protein. This variant is not present in population databases (gnomAD no frequency). This variant has not been reported in the literature in individuals affected with GUCY2D-related conditions. Algorithms developed to predict the effect of sequence changes on RNA splicing suggest that this variant may create or strengthen a splice site. In summary, the available evidence is currently insufficient to determine the role of this variant in disease. Therefore, it has been classified as a Variant of Uncertain Significance.